The following is an entry in ClinVar:

NM_001365951.3(KIF1B):c.5054A>C (p.Glu1685Ala)

Gene: KIF1B (kinesin family member 1B; plus strand). Cytogenetic location: 1p36.22.
Variant type: single nucleotide variant.
Coding change: c.5054A>C on transcript NM_001365951.3 (MANE Select); coding-DNA position 5054, A replaced by C.
Protein change: p.Glu1685Ala; replaces glutamic acid 1685 with alanine.
Molecular consequence: missense variant.
Genome position (GRCh38, 1-based): chr1:10,374,423, A>C. VCF-style: chr1-10374423-A-C. GRCh37 (hg19) VCF-style: chr1-10434481-A-C.
Other names: c.5054A>C, p.Glu1685Ala (NM_001365952.1); c.4916A>C, p.Glu1639Ala (NM_015074.3); short protein forms E1639A, E1685A.
Identifiers: ClinVar variation 5023209 (VCV005023209.1).

ClinVar aggregate classification (germline): Uncertain significance (1 of 4 stars; one submission).

Submission:

Ambry Genetics
Classification: Uncertain significance. Last evaluated: 2026-08-04. Review status: criteria provided, single submitter. Criteria: Ambry Variant Classification Scheme 2023. Collection method: clinical testing. Allele origin: germline.
Comment: The p.E1639A variant (also known as c.4916A>C), located in coding exon 43 of the KIF1B gene, results from an A to C substitution at nucleotide position 4916. The glutamic acid at codon 1639 is replaced by alanine, an amino acid with dissimilar properties. This amino acid position is conserved. In addition, the in silico prediction for this alteration is inconclusive. Based on the available evidence, the clinical significance of this variant remains unclear.